The following is an entry in ClinVar:

ClinVar aggregate classification (germline): Uncertain significance (1 of 4 stars; one submission).

Conditions:
Autosomal recessive limb-girdle muscular dystrophy type R18 (LGMDR18). Also called: Autosomal recessive limb-girdle muscular dystrophy type 2S; Limb-girdle muscular dystrophy, type 2S; MUSCULAR DYSTROPHY, LIMB-GIRDLE, AUTOSOMAL RECESSIVE 18. Identifiers: Orphanet 369840, MedGen C4517996, MONDO:0014144, OMIM 615356.

Allele frequency attached by ClinVar (database versions not stated): ExAC 0.00001.
gnomAD v4.1: 4 of 1,613,736 alleles (0.00025%); highest among the groups gnomAD compares: Admixed American, 0.0017%; no homozygotes.

Submission:

Labcorp Genetics (formerly Invitae), Labcorp
Classification: Uncertain significance for Autosomal recessive limb-girdle muscular dystrophy type R18. Last evaluated: 2022-09-25. Review status: criteria provided, single submitter. Criteria: Invitae Variant Classification Sherloc (09022015). Collection method: clinical testing. Allele origin: germline.
Comment: In summary, the available evidence is currently insufficient to determine the role of this variant in disease. Therefore, it has been classified as a Variant of Uncertain Significance. Advanced modeling of protein sequence and biophysical properties (such as structural, functional, and spatial information, amino acid conservation, physicochemical variation, residue mobility, and thermodynamic stability) performed at Invitae indicates that this missense variant is expected to disrupt TRAPPC11 protein function. This variant has not been reported in the literature in individuals affected with TRAPPC11-related conditions. This variant is present in population databases (rs755576255, gnomAD 0.0009%). This sequence change replaces tyrosine, which is neutral and polar, with cysteine, which is neutral and slightly polar, at codon 392 of the TRAPPC11 protein (p.Tyr392Cys).

NM_021942.6(TRAPPC11):c.1175A>G (p.Tyr392Cys)

Gene: TRAPPC11 (trafficking protein particle complex subunit 11; plus strand). Cytogenetic location: 4q35.1.
Variant type: single nucleotide variant.
Coding change: c.1175A>G on transcript NM_021942.6 (MANE Select); coding-DNA position 1175, A replaced by G.
Protein change: p.Tyr392Cys; replaces tyrosine 392 with cysteine.
Molecular consequence: missense variant.
Genome position (GRCh38, 1-based): chr4:183,682,793, A>G. VCF-style: chr4-183682793-A-G. GRCh37 (hg19) VCF-style: chr4-184603946-A-G.
Other names: c.1175A>G, p.Tyr392Cys (NM_199053.3); short protein forms Y392C.
Identifiers: ClinVar variation 2181328 (VCV002181328.4), dbSNP rs755576255, ClinGen allele CA3151812.